The following is an entry in ClinVar:

NM_152295.5(TARS1):c.693+6T>C

Gene: TARS1 (threonyl-tRNA synthetase 1; plus strand). Cytogenetic location: 5p13.3.
Variant type: single nucleotide variant.
Coding change: c.693+6T>C on transcript NM_152295.5 (MANE Select); 6 bases into the intron after coding-DNA position 693, T replaced by C.
Molecular consequence: intron variant.
Genome position (GRCh38, 1-based): chr5:33,455,710, T>C. VCF-style: chr5-33455710-T-C. GRCh37 (hg19) VCF-style: chr5-33455815-T-C.
Other names: NC_000005.9:g.33455815T>C; c.693+6T>C (NM_001258437.1); c.792+6T>C (NM_001258438.2).
Identifiers: ClinVar variation 3056225 (VCV003056225.3), dbSNP rs75319890, ClinGen allele CA3223098.

ClinVar aggregate classification (germline): Benign (0 of 4 stars; one submission).

Conditions:
TARS1-related disorder. Also called: TARS1-related condition.

Allele frequency attached by ClinVar (database versions not stated): 1000 Genomes Project 30x 0.00968; 1000 Genomes Project 0.00978; TOPMed 0.01510; ESP Exome Variant Server 0.01576; ExAC 0.01768; gnomAD 0.01785; gnomAD exomes 0.01827.
gnomAD v4.1: 28,686 of 1,577,344 alleles (1.8%); highest among the groups gnomAD compares: Non-Finnish European, 2%; 344 homozygotes.

Submissions (23):

PreventionGenetics, part of Exact Sciences
Classification: Benign for TARS1-related condition. Last evaluated: 2019-11-18. Review status: no assertion criteria provided. Collection method: clinical testing. Allele origin: germline.
Comment: This variant is classified as benign based on ACMG/AMP sequence variant interpretation guidelines (Richards et al. 2015 PMID: 25741868, with internal and published modifications).

Dr. Peter K. Rogan Lab, Western University
No classification provided (evidence only). Condition: Lung cancer. Review status: no classification provided. Collection method: in vitro. Allele origin: not applicable. Functional consequence: retained intron. Not counted in ClinVar's aggregate classification.

Dr. Peter K. Rogan Lab, Western University
No classification provided (evidence only). Condition: Lung cancer. Review status: no classification provided. Collection method: in vitro. Allele origin: not applicable. Functional consequence: retained intron. Not counted in ClinVar's aggregate classification.

Dr. Peter K. Rogan Lab, Western University
No classification provided (evidence only). Condition: Lung cancer. Review status: no classification provided. Collection method: in vitro. Allele origin: not applicable. Functional consequence: retained intron. Not counted in ClinVar's aggregate classification.

Dr. Peter K. Rogan Lab, Western University
No classification provided (evidence only). Condition: Acute myeloid leukemia. Review status: no classification provided. Collection method: in vitro. Allele origin: not applicable. Functional consequence: retained intron. Not counted in ClinVar's aggregate classification.

Dr. Peter K. Rogan Lab, Western University
No classification provided (evidence only). Condition: Acute myeloid leukemia. Review status: no classification provided. Collection method: in vitro. Allele origin: not applicable. Functional consequence: retained intron. Not counted in ClinVar's aggregate classification.

Dr. Peter K. Rogan Lab, Western University
No classification provided (evidence only). Condition: Acute myeloid leukemia. Review status: no classification provided. Collection method: in vitro. Allele origin: not applicable. Functional consequence: retained intron. Not counted in ClinVar's aggregate classification.

Dr. Peter K. Rogan Lab, Western University
No classification provided (evidence only). Condition: Acute myeloid leukemia. Review status: no classification provided. Collection method: in vitro. Allele origin: not applicable. Functional consequence: retained intron. Not counted in ClinVar's aggregate classification.

Dr. Peter K. Rogan Lab, Western University
No classification provided (evidence only). Condition: Cervical cancer. Review status: no classification provided. Collection method: in vitro. Allele origin: not applicable. Functional consequence: retained intron. Not counted in ClinVar's aggregate classification.

Dr. Peter K. Rogan Lab, Western University
No classification provided (evidence only). Condition: Cervical cancer. Review status: no classification provided. Collection method: in vitro. Allele origin: not applicable. Functional consequence: retained intron. Not counted in ClinVar's aggregate classification.

Dr. Peter K. Rogan Lab, Western University
No classification provided (evidence only). Condition: Thymoma. Review status: no classification provided. Collection method: in vitro. Allele origin: not applicable. Functional consequence: retained intron. Not counted in ClinVar's aggregate classification.

Dr. Peter K. Rogan Lab, Western University
No classification provided (evidence only). Condition: Thymoma. Review status: no classification provided. Collection method: in vitro. Allele origin: not applicable. Functional consequence: retained intron. Not counted in ClinVar's aggregate classification.

Dr. Peter K. Rogan Lab, Western University
No classification provided (evidence only). Condition: Gastric cancer. Review status: no classification provided. Collection method: in vitro. Allele origin: not applicable. Functional consequence: retained intron. Not counted in ClinVar's aggregate classification.

Dr. Peter K. Rogan Lab, Western University
No classification provided (evidence only). Condition: Gastric cancer. Review status: no classification provided. Collection method: in vitro. Allele origin: not applicable. Functional consequence: retained intron. Not counted in ClinVar's aggregate classification.

Dr. Peter K. Rogan Lab, Western University
No classification provided (evidence only). Condition: Malignant tumor of esophagus. Review status: no classification provided. Collection method: in vitro. Allele origin: not applicable. Functional consequence: retained intron. Not counted in ClinVar's aggregate classification.

Dr. Peter K. Rogan Lab, Western University
No classification provided (evidence only). Condition: Malignant tumor of esophagus. Review status: no classification provided. Collection method: in vitro. Allele origin: not applicable. Functional consequence: retained intron. Not counted in ClinVar's aggregate classification.

Dr. Peter K. Rogan Lab, Western University
No classification provided (evidence only). Condition: Nonpapillary renal cell carcinoma. Review status: no classification provided. Collection method: in vitro. Allele origin: not applicable. Functional consequence: retained intron. Not counted in ClinVar's aggregate classification.

Dr. Peter K. Rogan Lab, Western University
No classification provided (evidence only). Condition: Familial pancreatic carcinoma. Review status: no classification provided. Collection method: in vitro. Allele origin: not applicable. Functional consequence: retained intron. Not counted in ClinVar's aggregate classification.

Dr. Peter K. Rogan Lab, Western University
No classification provided (evidence only). Condition: Familial pancreatic carcinoma. Review status: no classification provided. Collection method: in vitro. Allele origin: not applicable. Functional consequence: retained intron. Not counted in ClinVar's aggregate classification.

Dr. Peter K. Rogan Lab, Western University
No classification provided (evidence only). Condition: Lymphoma. Review status: no classification provided. Collection method: in vitro. Allele origin: not applicable. Functional consequence: retained intron. Not counted in ClinVar's aggregate classification.

Dr. Peter K. Rogan Lab, Western University
No classification provided (evidence only). Condition: Lymphoma. Review status: no classification provided. Collection method: in vitro. Allele origin: not applicable. Functional consequence: retained intron. Not counted in ClinVar's aggregate classification.

Dr. Peter K. Rogan Lab, Western University
No classification provided (evidence only). Condition: Lymphoma. Review status: no classification provided. Collection method: in vitro. Allele origin: not applicable. Functional consequence: retained intron. Not counted in ClinVar's aggregate classification.

Dr. Peter K. Rogan Lab, Western University
No classification provided (evidence only). Condition: Ovarian cancer. Review status: no classification provided. Collection method: in vitro. Allele origin: not applicable. Functional consequence: retained intron. Not counted in ClinVar's aggregate classification.